The following is an entry in ClinVar:

NM_001330260.2(SCN8A):c.1214T>G (p.Leu405Trp)

Gene: SCN8A (sodium voltage-gated channel alpha subunit 8; plus strand). Cytogenetic location: 12q13.13.
Variant type: single nucleotide variant.
Coding change: c.1214T>G on transcript NM_001330260.2 (MANE Select); coding-DNA position 1214, T replaced by G.
Protein change: p.Leu405Trp; replaces leucine 405 with tryptophan.
Molecular consequence: missense variant.
Genome position (GRCh38, 1-based): chr12:51,705,496, T>G. VCF-style: chr12-51705496-T-G. GRCh37 (hg19) VCF-style: chr12-52099280-T-G.
Other names: c.1214T>G, p.Leu405Trp (NM_001177984.3, NM_001369788.1, NM_014191.4); short protein forms L405W.
Identifiers: ClinVar variation 2572743 (VCV002572743.2), dbSNP rs1555219494, ClinGen allele CA385227883.

ClinVar aggregate classification (germline): Likely pathogenic (1 of 4 stars; one submission).

Submission:

GeneDx
Classification: Likely pathogenic. Last evaluated: 2024-02-28. Review status: criteria provided, single submitter. Criteria: GeneDx Variant Classification Process June 2021. Collection method: clinical testing. Allele origin: germline. Affected: yes.
Comment: Not observed at significant frequency in large population cohorts (gnomAD); In silico analysis supports that this missense variant has a deleterious effect on protein structure/function; This substitution is predicted to be within the transmembrane segment S6 of the first homologous domain; Has not been previously published as pathogenic or benign to our knowledge